The following is an entry in ClinVar:

NM_000533.5(PLP1):c.454-2A>G

Genes: PLP1 (proteolipid protein 1; plus strand), RAB9B (RAB9B, member RAS oncogene family; minus strand). Cytogenetic location: Xq22.2.
Variant type: single nucleotide variant.
Coding change: c.454-2A>G on transcript NM_000533.5 (MANE Select); the canonical splice acceptor site of the intron before coding-DNA position 454, A replaced by G.
Molecular consequence: splice acceptor variant.
Genome position (GRCh38, 1-based): chrX:103,787,796, A>G. VCF-style: chrX-103787796-A-G. GRCh37 (hg19) VCF-style: chrX-103042725-A-G.
Other names: c.454-2A>G (NM_001128834.3); c.349-2A>G (NM_199478.3); c.289-2A>G (NM_001305004.1).
Identifiers: ClinVar variation 3255432 (VCV003255432.2), dbSNP rs2522313979.

ClinVar aggregate classification (germline): Pathogenic (1 of 4 stars; one submission).

Conditions:
Pelizaeus-Merzbacher disease. Also called: LEUKODYSTROPHY, HYPOMYELINATING, 1; Sudanophilic leukodystrophy; Pelizaeus-Merzbacher spectrum disorder; Pelizaeus-Merzbacher Disease (PMD); Pelizeaus-Merzbacher spectrum disorder. Identifiers: Orphanet 702, MedGen C0205711, MONDO:0010714, OMIM 312080, HP:0003269.

Submission:

Molecular Diagnostics Lab, Nemours Children's Health, Delaware
Classification: Pathogenic for Pelizaeus-Merzbacher disease. Last evaluated: 2021-12-13. Review status: criteria provided, single submitter. Criteria: ACMG Guidelines, 2015. Collection method: clinical testing. Allele origin: maternal, unknown. Inheritance: X-linked inheritance. Affected: yes and no. Observed: 1 heterozygote, 2 hemizygotes.
Comment: This intronic variant (c.454-2A>G) has not been observed in population databases (gnomAD). It has been described in the literature (PMID 11093273), but no functional studies have been published. It has been found in two affected male siblings and is carried by their mother.

Literature cited by the submitters: PubMed 11093273.